The following is an entry in ClinVar:

NM_006892.4(DNMT3B):c.608C>T (p.Pro203Leu)

Gene: DNMT3B (DNA methyltransferase 3 beta; plus strand). Cytogenetic location: 20q11.21.
Variant type: single nucleotide variant.
Coding change: c.608C>T on transcript NM_006892.4 (MANE Select); coding-DNA position 608, C replaced by T.
Protein change: p.Pro203Leu; replaces proline 203 with leucine.
Molecular consequence: missense variant.
Genome position (GRCh38, 1-based): chr20:32,787,405, C>T. VCF-style: chr20-32787405-C-T. GRCh37 (hg19) VCF-style: chr20-31375211-C-T.
Other names: c.482C>T, p.Pro161Leu (NM_001207055.2); c.380C>T, p.Pro127Leu (NM_001207056.2); c.608C>T, p.Pro203Leu (NM_175848.2, NM_175849.2); c.644C>T, p.Pro215Leu (NM_175850.3); short protein forms P203L, P127L, P161L, P215L.
Identifiers: ClinVar variation 530707 (VCV000530707.21), dbSNP rs147945634, ClinGen allele CA9810268.

ClinVar aggregate classification (germline): Conflicting classifications of pathogenicity. Review status: criteria provided, conflicting classifications (1 of 4 stars). 6 submissions from 5 submitters: Uncertain significance (2); Likely benign (3). 1 of the submissions does not count toward it. Last evaluated 2026-02-01.

Conditions:
Centromeric instability of chromosomes 1,9 and 16 and immunodeficiency (ICF1). Also called: CENTROMERIC INSTABILITY, IMMUNODEFICIENCY SYNDROME; Immunodeficiency-centromeric instability-facial anomalies; IMMUNE DEFICIENCY, VARIABLE, WITH CENTROMERIC INSTABILITY OF CHROMOSOMES 1, 9, AND 16; IMMUNODEFICIENCY SYNDROME, VARIABLE. Identifiers: Orphanet 2268, MedGen C0398788, MONDO:0000133.
Immunodeficiency-centromeric instability-facial anomalies syndrome 1 (ICF1). Identifiers: Orphanet 2268, MedGen C4551557, MONDO:0009454, OMIM 242860.
Facioscapulohumeral muscular dystrophy 4, digenic. Identifiers: MedGen C5561960, MONDO:0030355, OMIM 619478.
DNMT3B-related disorder. Also called: DNMT3B-related condition.

Allele frequency attached by ClinVar (database versions not stated): gnomAD exomes 0.00021 and 0.00052; ExAC 0.00060; 1000 Genomes Project 30x 0.00141; gnomAD 0.00176 and 0.00185; 1000 Genomes Project 0.00180; TOPMed 0.00200; ESP Exome Variant Server 0.00254.
gnomAD v4.1: 571 of 1,614,176 alleles (0.035%); highest among the groups gnomAD compares: African/African-American, 0.61%; 1 homozygote.

Submissions (6):

Labcorp Genetics (formerly Invitae), Labcorp
Classification: Likely benign for Centromeric instability of chromosomes 1,9 and 16 and immunodeficiency. Last evaluated: 2026-02-01. Review status: criteria provided, single submitter. Criteria: Invitae Variant Classification Sherloc (09022015). Collection method: clinical testing. Allele origin: germline.

Blueprint Genetics
Classification: Likely benign. Last evaluated: 2024-03-05. Review status: criteria provided, single submitter. Criteria: ACMG Guidelines, 2015. Collection method: clinical testing. Allele origin: germline.

Genetic Services Laboratory, University of Chicago
Classification: Likely benign. Last evaluated: 2020-10-20. Review status: criteria provided, single submitter. Criteria: ACMG Guidelines, 2015. Collection method: clinical testing. Allele origin: germline. Affected: no.

Center for Genomics, Ann and Robert H. Lurie Children's Hospital of Chicago
Classification: Uncertain significance for Immunodeficiency-centromeric instability-facial anomalies syndrome 1. Last evaluated: 2020-04-06. Review status: criteria provided, single submitter. Criteria: ACMG Guidelines, 2015. Collection method: clinical testing. Allele origin: germline.
Comment: DNMT3B NM_006892.3 exon 6 p.Pro203Leu (c.608C>T): This variant has not been reported in the literature but is present in 0.6% (160/24940) of African alleles in the Genome Aggregation Database. This variant is present in ClinVar (Variation ID:530707). Evolutionary conservation and computational predictive tools suggest that this variant may not impact the protein. In summary, data on this variant is insufficient for disease classification. Therefore, the clinical significance of this variant is uncertain.

Center for Genomics, Ann and Robert H. Lurie Children's Hospital of Chicago
Classification: Uncertain significance for Immunodeficiency-centromeric instability-facial anomalies syndrome 1; Facioscapulohumeral muscular dystrophy 4, digenic. Review status: criteria provided, single submitter. Criteria: ACMG Guidelines, 2015. Collection method: clinical testing. Allele origin: germline.
Comment: the same text as in the submission from Center for Genomics, Ann and Robert H. Lurie Children's Hospital of Chicago above.

PreventionGenetics, part of Exact Sciences
Classification: Likely benign for DNMT3B-related condition. Last evaluated: 2021-11-08. Review status: no assertion criteria provided. Collection method: clinical testing. Allele origin: germline. Not counted in ClinVar's aggregate classification.
Comment: This variant is classified as likely benign based on ACMG/AMP sequence variant interpretation guidelines (Richards et al. 2015 PMID: 25741868, with internal and published modifications).